The following is an entry in ClinVar:

ClinVar aggregate classification (germline): Uncertain significance. Review status: criteria provided, multiple submitters, no conflicts (2 of 4 stars). 2 submissions from 2 submitters: Uncertain significance (2). Last evaluated 2025-10-31.

Conditions:
DICER1-related tumor predisposition. Also called: DICER1-related pleuropulmonary blastoma cancer predisposition syndrome; DICER1 syndrome. Identifiers: Orphanet 284343, MedGen C3839822, MONDO:0100216.
Hereditary cancer-predisposing syndrome. Also called: Hereditary neoplastic syndrome; Neoplastic Syndromes, Hereditary; Tumor predisposition; Hereditary Cancer Syndrome. Identifiers: Orphanet 140162, MedGen C0027672, MeSH D009386, MONDO:0015356.

Allele frequency attached by ClinVar (database versions not stated): gnomAD exomes below 0.00001; TOPMed below 0.00001; ExAC 0.00001.
gnomAD v4.1: 1 of 1,611,674 alleles (0.000062%); highest among the groups gnomAD compares: Non-Finnish European, 0.000085%; no homozygotes.

Submissions (2):

Labcorp Genetics (formerly Invitae), Labcorp
Classification: Uncertain significance for DICER1-related tumor predisposition. Last evaluated: 2025-10-31. Review status: criteria provided, single submitter. Criteria: Invitae Variant Classification Sherloc (09022015). Collection method: clinical testing. Allele origin: germline.
Comment: This sequence change replaces asparagine, which is neutral and polar, with histidine, which is basic and polar, at codon 195 of the DICER1 protein (p.Asn195His). This variant is present in population databases (rs770842365, gnomAD no frequency). This variant has not been reported in the literature in individuals affected with DICER1-related conditions. ClinVar contains an entry for this variant (Variation ID: 412152). Invitae Evidence Modeling of protein sequence and biophysical properties (such as structural, functional, and spatial information, amino acid conservation, physicochemical variation, residue mobility, and thermodynamic stability) indicates that this missense variant is not expected to disrupt DICER1 protein function with a negative predictive value of 95%. In summary, the available evidence is currently insufficient to determine the role of this variant in disease. Therefore, it has been classified as a Variant of Uncertain Significance.

Ambry Genetics
Classification: Uncertain significance for Hereditary cancer-predisposing syndrome. Last evaluated: 2024-06-27. Review status: criteria provided, single submitter. Criteria: Ambry Variant Classification Scheme 2023. Collection method: clinical testing. Allele origin: germline.
Comment: The p.N195H variant (also known as c.583A>C), located in coding exon 5 of the DICER1 gene, results from an A to C substitution at nucleotide position 583. The asparagine at codon 195 is replaced by histidine, an amino acid with similar properties. This amino acid position is not well conserved in available vertebrate species. In addition, this alteration is predicted to be tolerated by in silico analysis. Since supporting evidence is limited at this time, the clinical significance of this alteration remains unclear.

NM_177438.3(DICER1):c.583A>C (p.Asn195His)

Gene: DICER1 (dicer 1, ribonuclease III; minus strand). Cytogenetic location: 14q32.13.
Variant type: single nucleotide variant.
Coding change: c.583A>C on transcript NM_177438.3 (MANE Select); coding-DNA position 583, A replaced by C.
Protein change: p.Asn195His; replaces asparagine 195 with histidine.
Molecular consequence: missense variant.
Genome position (GRCh38, 1-based): chr14:95,129,623, T>G on the plus strand (A>C on the coding strand, the complement: DICER1 is on the minus strand). VCF-style: chr14-95129623-T-G. GRCh37 (hg19) VCF-style: chr14-95595960-T-G.
Other names: c.583A>C, p.Asn195His (NM_001195573.1, NM_001271282.3, NM_001291628.2 and 1 more transcripts); short protein forms N195H.
Identifiers: ClinVar variation 412152 (VCV000412152.13), dbSNP rs770842365, ClinGen allele CA7331615.